The following is an entry in ClinVar:

NM_006950.3(SYN1):c.361G>T (p.Glu121Ter)

Gene: SYN1 (synapsin I; minus strand). Cytogenetic location: Xp11.23.
Variant type: single nucleotide variant.
Coding change: c.361G>T on transcript NM_006950.3 (MANE Select); coding-DNA position 361, G replaced by T.
Protein change: p.Glu121Ter; replaces glutamic acid 121 with a stop codon.
Molecular consequence: nonsense.
Genome position (GRCh38, 1-based): chrX:47,619,368, C>A on the plus strand (G>T on the coding strand, the complement: SYN1 is on the minus strand). VCF-style: chrX-47619368-C-A. GRCh37 (hg19) VCF-style: chrX-47478767-C-A.
Other names: c.361G>T, p.Glu121Ter (NM_133499.2); short protein forms E121*.
Identifiers: ClinVar variation 450386 (VCV000450386.4), dbSNP rs1183386473, ClinGen allele CA412831499.

ClinVar aggregate classification (germline): Pathogenic/Likely pathogenic. Review status: criteria provided, multiple submitters, no conflicts (2 of 4 stars). 2 submissions from 2 submitters: Pathogenic (1); Likely pathogenic (1). Last evaluated 2024-06-26.

Conditions:
Epilepsy, X-linked 1, with variable learning disabilities and behavior disorders. Also called: X-linked epilepsy-learning disabilities-behavior disorders syndrome. Identifiers: Orphanet 85294, MedGen C5774177, MONDO:0010339, OMIM 300491.

Submissions (2):

Labcorp Genetics (formerly Invitae), Labcorp
Classification: Pathogenic for Epilepsy, X-linked 1, with variable learning disabilities and behavior disorders. Last evaluated: 2024-06-26. Review status: criteria provided, single submitter. Criteria: Invitae Variant Classification Sherloc (09022015). Collection method: clinical testing. Allele origin: germline.
Comment: This sequence change creates a premature translational stop signal (p.Glu121*) in the SYN1 gene. It is expected to result in an absent or disrupted protein product. Loss-of-function variants in SYN1 are known to be pathogenic (PMID: 14985377, 21441247). This variant is not present in population databases (gnomAD no frequency). This variant has not been reported in the literature in individuals affected with SYN1-related conditions. ClinVar contains an entry for this variant (Variation ID: 450386). For these reasons, this variant has been classified as Pathogenic.

GeneDx
Classification: Likely pathogenic. Last evaluated: 2017-09-05. Review status: criteria provided, single submitter. Criteria: GeneDx Variant Classification (06012015). Collection method: clinical testing. Allele origin: germline. Affected: yes.
Comment: The E121X variant in the SYN1 gene has not been reported previously as a pathogenic variant nor as a benign variant, to our knowledge. This variant is predicted to cause loss of normal protein function either through protein truncation or nonsense-mediated mRNA decay. The E121X variant is not observed in large population cohorts (Lek et al., 2016; 1000 Genomes Consortium et al., 2015; Exome Variant Server). We interpret E121X as a likely pathogenic variant.

Literature cited by the submitters: PubMed 14985377 (cited by Labcorp Genetics (formerly Invitae), Labcorp); PubMed 21441247 (cited by Labcorp Genetics (formerly Invitae), Labcorp).